The following is an entry in ClinVar:

NM_013296.5(GPSM2):c.414+8C>T

Gene: GPSM2 (G protein signaling modulator 2; plus strand). Cytogenetic location: 1p13.3.
Variant type: single nucleotide variant.
Coding change: c.414+8C>T on transcript NM_013296.5 (MANE Select); 8 bases into the intron after coding-DNA position 414, C replaced by T.
Molecular consequence: intron variant.
Genome position (GRCh38, 1-based): chr1:108,897,635, C>T. VCF-style: chr1-108897635-C-T. GRCh37 (hg19) VCF-style: chr1-109440257-C-T.
Other names: c.414+8C>T (NM_001321038.2, NM_001321039.3).
Identifiers: ClinVar variation 513026 (VCV000513026.2), dbSNP rs760732993, ClinGen allele CA982789.

ClinVar aggregate classification (germline): Likely benign. Review status: criteria provided, multiple submitters, no conflicts (2 of 4 stars). 2 submissions from 2 submitters: Likely benign (2). Last evaluated 2020-09-21.

Allele frequency attached by ClinVar (database versions not stated): gnomAD exomes below 0.00001 and 0.00001; TOPMed 0.00001; ExAC 0.00002; gnomAD 0.00003.
gnomAD v4.1: 11 of 1,610,758 alleles (0.00068%); highest among the groups gnomAD compares: East Asian, 0.0067%; no homozygotes.

Submissions (2):

Blueprint Genetics
Classification: Likely benign. Last evaluated: 2020-09-21. Review status: criteria provided, single submitter. Criteria: ACMG Guidelines, 2015. Collection method: clinical testing. Allele origin: germline.

GeneDx
Classification: Likely benign. Last evaluated: 2017-11-02. Review status: criteria provided, single submitter. Criteria: GeneDx Variant Classification (06012015). Collection method: clinical testing. Allele origin: germline. Affected: yes.
Comment: This variant is considered likely benign or benign based on one or more of the following criteria: it is a conservative change, it occurs at a poorly conserved position in the protein, it is predicted to be benign by multiple in silico algorithms, and/or has population frequency not consistent with disease.